The following is an entry in ClinVar:

ClinVar aggregate classification (germline): Uncertain significance (1 of 4 stars; one submission).

Conditions:
PHGDH deficiency. Identifiers: Orphanet 79351, MedGen C1866174, MONDO:0011152, OMIM 601815.

Submission:

Labcorp Genetics (formerly Invitae), Labcorp
Classification: Uncertain significance for PHGDH deficiency. Last evaluated: 2022-08-16. Review status: criteria provided, single submitter. Criteria: Invitae Variant Classification Sherloc (09022015). Collection method: clinical testing. Allele origin: germline.
Comment: This sequence change replaces valine, which is neutral and non-polar, with leucine, which is neutral and non-polar, at codon 59 of the PHGDH protein (p.Val59Leu). This variant is not present in population databases (gnomAD no frequency). This variant has not been reported in the literature in individuals affected with PHGDH-related conditions. ClinVar contains an entry for this variant (Variation ID: 1434885). Algorithms developed to predict the effect of missense changes on protein structure and function are either unavailable or do not agree on the potential impact of this missense change (SIFT: "Tolerated"; PolyPhen-2: "Probably Damaging"; Align-GVGD: "Class C0"). In summary, the available evidence is currently insufficient to determine the role of this variant in disease. Therefore, it has been classified as a Variant of Uncertain Significance.

NM_006623.4(PHGDH):c.175G>T (p.Val59Leu)

Gene: PHGDH (phosphoglycerate dehydrogenase; plus strand). Cytogenetic location: 1p12.
Variant type: single nucleotide variant.
Coding change: c.175G>T on transcript NM_006623.4 (MANE Select); coding-DNA position 175, G replaced by T.
Protein change: p.Val59Leu; replaces valine 59 with leucine.
Molecular consequence: missense variant.
Genome position (GRCh38, 1-based): chr1:119,721,206, G>T. VCF-style: chr1-119721206-G-T. GRCh37 (hg19) VCF-style: chr1-120263829-G-T.
Other names: short protein forms V59L.
Identifiers: ClinVar variation 1434885 (VCV001434885.6), dbSNP rs2101154786, ClinGen allele CA341416745.
Genomic context (GRCh38, chr1:119,721,206, plus strand): 5'-ACCCAAATGTTTTTTCTGCTTCAGGACTGTGAAGGCCTTATTGTTCGCTCTGCCACCAAG[G>T]TGACCGCTGATGTCATCAACGCAGCTGAGAAACTCCAGGTGGTGGGCAGGGCTGGCACAG-3'
Protein context (NP_006614.2, residues 49-69): EGLIVRSATK[Val59Leu]TADVINAAEK